The following is an entry in ClinVar:

ClinVar aggregate classification (germline): Uncertain significance (1 of 4 stars; one submission).

Allele frequency attached by ClinVar (database versions not stated): ESP Exome Variant Server 0.00008; gnomAD 0.00010; gnomAD exomes 0.00011; TOPMed 0.00015; 1000 Genomes Project 30x 0.00016; ExAC 0.00016; 1000 Genomes Project 0.00020.

Submission:

Labcorp Genetics (formerly Invitae), Labcorp
Classification: Uncertain significance. Last evaluated: 2025-10-22. Review status: criteria provided, single submitter. Criteria: Invitae Variant Classification Sherloc (09022015). Collection method: clinical testing. Allele origin: germline.
Comment: This sequence change replaces arginine, which is basic and polar, with cysteine, which is neutral and slightly polar, at codon 377 of the NECTIN4 protein (p.Arg377Cys). This variant is present in population databases (rs181226582, gnomAD 0.02%). This variant has not been reported in the literature in individuals affected with NECTIN4-related conditions. ClinVar contains an entry for this variant (Variation ID: 2198300). Invitae Evidence Modeling of protein sequence and biophysical properties (such as structural, functional, and spatial information, amino acid conservation, physicochemical variation, residue mobility, and thermodynamic stability) indicates that this missense variant is not expected to disrupt NECTIN4 protein function with a negative predictive value of 80%. In summary, the available evidence is currently insufficient to determine the role of this variant in disease. Therefore, it has been classified as a Variant of Uncertain Significance.

NM_030916.3(NECTIN4):c.1129C>T (p.Arg377Cys)

Gene: NECTIN4 (nectin cell adhesion molecule 4; minus strand). Cytogenetic location: 1q23.3.
Variant type: single nucleotide variant.
Coding change: c.1129C>T on transcript NM_030916.3 (MANE Select); coding-DNA position 1129, C replaced by T.
Protein change: p.Arg377Cys; replaces arginine 377 with cysteine.
Molecular consequence: missense variant.
Genome position (GRCh38, 1-based): chr1:161,074,245, G>A on the plus strand (C>T on the coding strand, the complement: NECTIN4 is on the minus strand). VCF-style: chr1-161074245-G-A. GRCh37 (hg19) VCF-style: chr1-161044035-G-A.
Other names: short protein forms R377C.
Identifiers: ClinVar variation 2198300 (VCV002198300.2), dbSNP rs181226582, ClinGen allele CA1204909.
Genomic context (GRCh38, chr1:161,074,245, plus strand): 5'-GTTCTACCCACCCAGGAGTGCCCAGTACTCACTATTTCTGGGTCATCTGCTGGGCCTTGC[G>A]CCGATGGTATCGGGACATGAGCACCACCACCACCACCAGAAGGCAGAACAAGAGTGCGGC-3'
Protein context (NP_112178.2, residues 367-387): VVVLMSRYHR[Arg377Cys]KAQQMTQKYE